The following is an entry in ClinVar:

ClinVar aggregate classification (germline): Uncertain significance (1 of 4 stars; one submission).

Conditions:
Menkes kinky-hair syndrome (MNK). Also called: Copper transport disease; Menkes Disease; Classic Menkes Disease. Identifiers: Orphanet 565, MedGen C0022716, MONDO:0010651, OMIM 309400.
Cutis laxa, X-linked (OHS). Also called: EDS IX; Occipital horn syndrome. Identifiers: Orphanet 198, MedGen C0268353, MONDO:0010572, OMIM 304150.
X-linked distal spinal muscular atrophy type 3. Also called: ATP7A-Related Distal Motor Neuropathy; SPINAL MUSCULAR ATROPHY, DISTAL, X-LINKED RECESSIVE; NEURONOPATHY, DISTAL HEREDITARY MOTOR, X-LINKED; NEUROPATHY, DISTAL HEREDITARY MOTOR, X-LINKED. Identifiers: Orphanet 139557, MedGen C1845359, MONDO:0010338, OMIM 300489.

Submission:

Labcorp Genetics (formerly Invitae), Labcorp
Classification: Uncertain significance for X-linked distal spinal muscular atrophy type 3; Cutis laxa, X-linked; Menkes kinky-hair syndrome. Last evaluated: 2023-03-29. Review status: criteria provided, single submitter. Criteria: Invitae Variant Classification Sherloc (09022015). Collection method: clinical testing. Allele origin: germline.
Comment: This sequence change replaces valine, which is neutral and non-polar, with aspartic acid, which is acidic and polar, at codon 351 of the ATP7A protein (p.Val351Asp). This variant is not present in population databases (gnomAD no frequency). In summary, the available evidence is currently insufficient to determine the role of this variant in disease. Therefore, it has been classified as a Variant of Uncertain Significance. Advanced modeling of protein sequence and biophysical properties (such as structural, functional, and spatial information, amino acid conservation, physicochemical variation, residue mobility, and thermodynamic stability) performed at Invitae indicates that this missense variant is not expected to disrupt ATP7A protein function. This variant has not been reported in the literature in individuals affected with ATP7A-related conditions.

NM_000052.7(ATP7A):c.1052T>A (p.Val351Asp)

Gene: ATP7A (ATPase copper transporting alpha; plus strand). Cytogenetic location: Xq21.1.
Variant type: single nucleotide variant.
Coding change: c.1052T>A on transcript NM_000052.7 (MANE Select); coding-DNA position 1052, T replaced by A.
Protein change: p.Val351Asp; replaces valine 351 with aspartic acid.
Molecular consequence: missense variant.
Genome position (GRCh38, 1-based): chrX:77,989,674, T>A. VCF-style: chrX-77989674-T-A. GRCh37 (hg19) VCF-style: chrX-77245170-T-A.
Other names: c.1052T>A, p.Val351Asp (NM_001282224.2); short protein forms V351D.
Identifiers: ClinVar variation 2941092 (VCV002941092.3), dbSNP rs2522294474, ClinGen allele CA413601706.
Genomic context (GRCh38, chrX:77,989,674, plus strand): 5'-TGAGAAAAGCAATAGAGGCTGTATCACCGGGGCTATATAGAGTTAGTATCACAAGTGAAG[T>A]TGAGAGTACCTCAAACTCTCCCTCCAGCTCATCTCTTCAGAAGATTCCTTTGAATGTAGT-3'
Protein context (NP_000043.4, residues 341-361): GLYRVSITSE[Val351Asp]ESTSNSPSSS